The following is an entry in ClinVar:

NM_004415.4(DSP):c.4156G>C (p.Glu1386Gln)

Gene: DSP (desmoplakin; plus strand). Cytogenetic location: 6p24.3.
Variant type: single nucleotide variant.
Coding change: c.4156G>C on transcript NM_004415.4 (MANE Select); coding-DNA position 4156, G replaced by C.
Protein change: p.Glu1386Gln; replaces glutamic acid 1386 with glutamine.
Molecular consequence: missense variant. On other transcripts: intron variant (2).
Genome position (GRCh38, 1-based): chr6:7,580,346, G>C. VCF-style: chr6-7580346-G-C. GRCh37 (hg19) VCF-style: chr6-7580579-G-C.
Other names: c.4050+106G>C (NM_001319034.2); c.3582+574G>C (NM_001008844.3); short protein forms E1386Q.
Identifiers: ClinVar variation 4794053 (VCV004794053.1).

ClinVar aggregate classification (germline): Uncertain significance (1 of 4 stars; one submission).

Conditions:
Arrhythmogenic right ventricular dysplasia 8 (ARVD8). Also called: Arrhythmogenic Right Ventricular Dysplasia/Cardiomyopathy 8; ARRHYTHMOGENIC RIGHT VENTRICULAR DYSPLASIA, FAMILIAL, 8; ARRHYTHMOGENIC RIGHT VENTRICULAR CARDIOMYOPATHY 8. Identifiers: MedGen C1843896, MONDO:0011831, OMIM 607450.
Arrhythmogenic cardiomyopathy with wooly hair and keratoderma. Also called: PALMOPLANTAR KERATODERMA WITH LEFT VENTRICULAR CARDIOMYOPATHY AND WOOLLY HAIR; Dilated cardiomyopathy with woolly hair and keratoderma; Arrhythmogenic cardiomyopathy with woolly hair and keratoderma; Carvajal syndrome. Identifiers: Orphanet 65282, MedGen C1854063, MONDO:0011581, OMIM 605676.

Submission:

Labcorp Genetics (formerly Invitae), Labcorp
Classification: Uncertain significance for Arrhythmogenic cardiomyopathy with wooly hair and keratoderma; Arrhythmogenic right ventricular dysplasia 8. Last evaluated: 2025-04-17. Review status: criteria provided, single submitter. Criteria: Invitae Variant Classification Sherloc (09022015). Collection method: clinical testing. Allele origin: germline.
Comment: This sequence change replaces glutamic acid, which is acidic and polar, with glutamine, which is neutral and polar, at codon 1386 of the DSP protein (p.Glu1386Gln). This variant is not present in population databases (gnomAD no frequency). This variant has not been reported in the literature in individuals affected with DSP-related conditions. An algorithm developed to predict the effect of missense changes on protein structure and function (PolyPhen-2) suggests that this variant is likely to be tolerated. In summary, the available evidence is currently insufficient to determine the role of this variant in disease. Therefore, it has been classified as a Variant of Uncertain Significance.